The following is an entry in ClinVar:

ClinVar aggregate classification (germline): Conflicting classifications of pathogenicity. Review status: criteria provided, conflicting classifications (1 of 4 stars). 2 submissions from 2 submitters: Uncertain significance (1); Likely benign (1). Last evaluated 2026-03-09.

Conditions:
Gorlin syndrome. Also called: Nevoid Basal Cell Carcinoma Syndrome; Basal cell nevus syndrome. Identifiers: Orphanet 377, MedGen C0004779, MONDO:0007187.
Hereditary cancer-predisposing syndrome. Also called: Hereditary Cancer Syndrome; Tumor predisposition; Neoplastic Syndromes, Hereditary; Hereditary neoplastic syndrome. Identifiers: Orphanet 140162, MedGen C0027672, MeSH D009386, MONDO:0015356.

Allele frequency attached by ClinVar (database versions not stated): TOPMed below 0.00001.

Submissions (2):

Ambry Genetics
Classification: Likely benign for Hereditary cancer-predisposing syndrome. Last evaluated: 2026-03-09. Review status: criteria provided, single submitter. Criteria: Ambry Variant Classification Scheme 2023. Collection method: clinical testing. Allele origin: germline.

Labcorp Genetics (formerly Invitae), Labcorp
Classification: Uncertain significance for Gorlin syndrome. Last evaluated: 2024-08-11. Review status: criteria provided, single submitter. Criteria: Invitae Variant Classification Sherloc (09022015). Collection method: clinical testing. Allele origin: germline.
Comment: This sequence change replaces glycine, which is neutral and non-polar, with serine, which is neutral and polar, at codon 15 of the PTCH1 protein (p.Gly15Ser). This variant is not present in population databases (gnomAD no frequency). This variant has not been reported in the literature in individuals affected with PTCH1-related conditions. ClinVar contains an entry for this variant (Variation ID: 854769). Advanced modeling of protein sequence and biophysical properties (such as structural, functional, and spatial information, amino acid conservation, physicochemical variation, residue mobility, and thermodynamic stability) performed at Invitae indicates that this missense variant is not expected to disrupt PTCH1 protein function with a negative predictive value of 95%. In summary, the available evidence is currently insufficient to determine the role of this variant in disease. Therefore, it has been classified as a Variant of Uncertain Significance.

NM_000264.5(PTCH1):c.43G>A (p.Gly15Ser)

Genes: PTCH1 (patched 1; minus strand), LOC130002133 (ATAC-STARR-seq lymphoblastoid silent region 20071; plus strand). Cytogenetic location: 9q22.32.
Variant type: single nucleotide variant.
Coding change: c.43G>A on transcript NM_000264.5 (MANE Select); coding-DNA position 43, G replaced by A.
Protein change: p.Gly15Ser; replaces glycine 15 with serine.
Molecular consequence: missense variant. On other transcripts: non-coding transcript variant (1), intron variant (3).
Genome position (GRCh38, 1-based): chr9:95,508,319, C>T on the plus strand (G>A on the coding strand, the complement: PTCH1 is on the minus strand). VCF-style: chr9-95508319-C-T. GRCh37 (hg19) VCF-style: chr9-98270601-C-T.
Other names: c.43G>A, p.Gly15Ser (NM_001354918.2); c.199-1720G>A (NM_001083603.3); c.4-1720G>A (NM_001083602.3, NM_001354919.2); short protein forms G15S.
Identifiers: ClinVar variation 854769 (VCV000854769.11), dbSNP rs1240000266, ClinGen allele CA374121556.